The following is an entry in ClinVar:

NM_001386140.1(MTTP):c.1982G>A (p.Gly661Asp)

Gene: MTTP (microsomal triglyceride transfer protein; plus strand). Cytogenetic location: 4q23.
Variant type: single nucleotide variant.
Coding change: c.1982G>A on transcript NM_001386140.1 (MANE Select); coding-DNA position 1982, G replaced by A.
Protein change: p.Gly661Asp; replaces glycine 661 with aspartic acid.
Molecular consequence: missense variant.
Genome position (GRCh38, 1-based): chr4:99,611,446, G>A. VCF-style: chr4-99611446-G-A. GRCh37 (hg19) VCF-style: chr4-100532603-G-A.
Other names: c.1982G>A, p.Gly661Asp (NM_000253.4); c.1733G>A, p.Gly578Asp (NM_001300785.2); short protein forms G661D, G578D.
Identifiers: ClinVar variation 840719 (VCV000840719.5), dbSNP rs147591201, ClinGen allele CA3022256.
Genomic context (GRCh38, chr4:99,611,446, plus strand): 5'-GCATTCTAAGGAGAAGTAACCTGAACATCTTTCAGTACATTGGGAAGGCTGGTCTTCACG[G>A]TAGCCAGGTAACTCACTTCTCATGGATTTTGCTTAATAAAGTATGCAAGAAATCAGGCTG-3'
Protein context (NP_001373069.1, residues 651-671): FQYIGKAGLH[Gly661Asp]SQVVIEAQGL

ClinVar aggregate classification (germline): Uncertain significance (1 of 4 stars; one submission).

Allele frequency attached by ClinVar (database versions not stated): ExAC 0.00001; gnomAD 0.00001 and 0.00002; TOPMed 0.00002; ESP Exome Variant Server 0.00008.
gnomAD v4.1: 10 of 1,613,902 alleles (0.00062%); highest among the groups gnomAD compares: African/African-American, 0.0027%; no homozygotes.

Submission:

Labcorp Genetics (formerly Invitae), Labcorp
Classification: Uncertain significance. Last evaluated: 2021-08-27. Review status: criteria provided, single submitter. Criteria: Invitae Variant Classification Sherloc (09022015). Collection method: clinical testing. Allele origin: germline.
Comment: This sequence change replaces glycine with aspartic acid at codon 661 of the MTTP protein (p.Gly661Asp). The glycine residue is weakly conserved and there is a moderate physicochemical difference between glycine and aspartic acid. This variant is present in population databases (rs147591201, ExAC 0.01%). This variant has not been reported in the literature in individuals affected with MTTP-related conditions. Algorithms developed to predict the effect of missense changes on protein structure and function (SIFT, PolyPhen-2, Align-GVGD) all suggest that this variant is likely to be tolerated. In summary, the available evidence is currently insufficient to determine the role of this variant in disease. Therefore, it has been classified as a Variant of Uncertain Significance.